The following is an entry in ClinVar:

ClinVar aggregate classification (germline): Uncertain significance. Review status: criteria provided, multiple submitters, no conflicts (2 of 4 stars). 5 submissions from 5 submitters: Uncertain significance (5). Last evaluated 2025-09-23.

Conditions:
Inborn genetic diseases. Identifiers: MedGen C0950123, MeSH D030342.

Allele frequency attached by ClinVar (database versions not stated): ExAC 0.00015; ESP Exome Variant Server 0.00031; gnomAD 0.00037; TOPMed 0.00041.
gnomAD v4.1: 488 of 1,613,736 alleles (0.03%); highest among the groups gnomAD compares: Admixed American, 0.077%; no homozygotes.

Submissions (6):

Mayo Clinic Laboratories, Mayo Clinic
Classification: Uncertain significance. Last evaluated: 2025-09-23. Review status: criteria provided, single submitter. Criteria: ACMG Guidelines, 2015. Collection method: clinical testing. Allele origin: germline. Observed: 1 variant allele.
Comment: PP3

GeneDx
Classification: Uncertain significance. Last evaluated: 2024-04-30. Review status: criteria provided, single submitter. Criteria: GeneDx Variant Classification Process June 2021. Collection method: clinical testing. Allele origin: germline. Affected: yes.
Comment: In silico analysis supports that this missense variant has a deleterious effect on protein structure/function; Has not been previously published as pathogenic or benign to our knowledge

Blueprint Genetics
Classification: Uncertain significance. Last evaluated: 2023-11-13. Review status: criteria provided, single submitter. Criteria: ACMG Guidelines, 2015. Collection method: clinical testing. Allele origin: germline.

Labcorp Genetics (formerly Invitae), Labcorp
Classification: Uncertain significance. Last evaluated: 2022-09-27. Review status: criteria provided, single submitter. Criteria: Invitae Variant Classification Sherloc (09022015). Collection method: clinical testing. Allele origin: germline.
Comment: This sequence change replaces glycine, which is neutral and non-polar, with arginine, which is basic and polar, at codon 2312 of the LAMA1 protein (p.Gly2312Arg). This variant is present in population databases (rs138821699, gnomAD 0.06%). This variant has not been reported in the literature in individuals affected with LAMA1-related conditions. Advanced modeling of protein sequence and biophysical properties (such as structural, functional, and spatial information, amino acid conservation, physicochemical variation, residue mobility, and thermodynamic stability) performed at Invitae indicates that this missense variant is expected to disrupt LAMA1 protein function. Algorithms developed to predict the effect of sequence changes on RNA splicing suggest that this variant may create or strengthen a splice site. In summary, the available evidence is currently insufficient to determine the role of this variant in disease. Therefore, it has been classified as a Variant of Uncertain Significance.

Ambry Genetics
Classification: Uncertain significance for Inborn genetic diseases. Last evaluated: 2021-08-12. Review status: criteria provided, single submitter. Criteria: Ambry Variant Classification Scheme 2023. Collection method: clinical testing. Allele origin: germline.

Dr. Peter K. Rogan Lab, Western University
No classification provided (evidence only). Condition: Malignant tumor of esophagus. Review status: no classification provided. Collection method: in vitro. Allele origin: not applicable. Functional consequence: retained intron. Not counted in ClinVar's aggregate classification.

NM_005559.4(LAMA1):c.6934G>A (p.Gly2312Arg)

Gene: LAMA1 (laminin subunit alpha 1; minus strand). Cytogenetic location: 18p11.31.
Variant type: single nucleotide variant.
Coding change: c.6934G>A on transcript NM_005559.4 (MANE Select); coding-DNA position 6934, G replaced by A.
Protein change: p.Gly2312Arg; replaces glycine 2312 with arginine.
Molecular consequence: missense variant.
Genome position (GRCh38, 1-based): chr18:6,966,263, C>T on the plus strand (G>A on the coding strand, the complement: LAMA1 is on the minus strand). VCF-style: chr18-6966263-C-T. GRCh37 (hg19) VCF-style: chr18-6966262-C-T.
Other names: p.Gly2312Arg; short protein forms G2312R.
Identifiers: ClinVar variation 2050493 (VCV002050493.6), dbSNP rs138821699, ClinGen allele CA8881071.